The following is an entry in ClinVar:

NM_005121.3(MED13):c.5245A>G (p.Arg1749Gly)

Gene: MED13 (mediator complex subunit 13; minus strand). Cytogenetic location: 17q23.2.
Variant type: single nucleotide variant.
Coding change: c.5245A>G on transcript NM_005121.3 (MANE Select); coding-DNA position 5245, A replaced by G.
Protein change: p.Arg1749Gly; replaces arginine 1749 with glycine.
Molecular consequence: missense variant.
Genome position (GRCh38, 1-based): chr17:61,961,599, T>C on the plus strand (A>G on the coding strand, the complement: MED13 is on the minus strand). VCF-style: chr17-61961599-T-C. GRCh37 (hg19) VCF-style: chr17-60038960-T-C.
Other names: short protein forms R1749G.
Identifiers: ClinVar variation 995857 (VCV000995857.3), dbSNP rs1440544611, ClinGen allele CA400510884.

ClinVar aggregate classification (germline): Uncertain significance (1 of 4 stars; one submission).

Conditions:
Intellectual developmental disorder 61. Also called: INTELLECTUAL DEVELOPMENTAL DISORDER, AUTOSOMAL DOMINANT 61; MENTAL RETARDATION, AUTOSOMAL DOMINANT 61. Identifiers: MedGen C5231400, MONDO:0032485, OMIM 618009.

Allele frequency attached by ClinVar (database versions not stated): gnomAD exomes below 0.00001.
gnomAD v4.1: 1 of 1,611,402 alleles (0.000062%); no homozygotes.

Submission:

Institute of Human Genetics, University of Goettingen
Classification: Uncertain significance for Intellectual developmental disorder 61. Last evaluated: 2021-01-15. Review status: criteria provided, single submitter. Criteria: ACMG Guidelines, 2015. Collection method: clinical testing. Allele origin: unknown. Inheritance: Autosomal dominant inheritance. Observed: 1 variant allele, 1 heterozygote.
Comment: The MED13 variant c.5245A>G (p.(Arg1749Gly)) is found at a population frequency of 0.0004% in the gnomAD database, it affects a moderately conserved nucleotide and a weakly conserved amino acid and there is a moderate physicochemical difference between Arg and Gly. This variant has a pathogenic computational verdict based on in silico prediction programs (M-CAP, SIFT, MutationTaster) ACMG criteria used for classification: PM2, PP3.